The following is an entry in ClinVar:

ClinVar aggregate classification (germline): Uncertain significance. Review status: criteria provided, multiple submitters, no conflicts (2 of 4 stars). 2 submissions from 2 submitters: Uncertain significance (2). Last evaluated 2026-07-01.

Conditions:
Glycogen storage disease, type II (IOPD). Also called: CARDIOMEGALIA GLYCOGENICA DIFFUSA; GLYCOGENOSIS, GENERALIZED, CARDIAC FORM; GSD II; POMPE DISEASE, INFANTILE-ONSET; GLYCOGEN STORAGE DISEASE II, INFANTILE-ONSET; ACID ALPHA-GLUCOSIDASE DEFICIENCY, INFANTILE-ONSET. Identifiers: Orphanet 365, MedGen C0017921, MONDO:0009290, OMIM 232300.

Allele frequency attached by ClinVar (database versions not stated): ExAC 0.00001.

Submissions (2):

Genomenon, Inc
Classification: Uncertain significance for Glycogen storage disease, type II. Last evaluated: 2026-07-01. Review status: criteria provided, single submitter. Criteria: Genomenon Sequence Variant Interpretation Standards - Updated. Collection method: curation. Allele origin: germline. Affected: no.
Comment: GAA p.Thr197Asn (c.590C>A) is a missense variant that changes the amino acid at codon 197 from Threonine to Asparagine. This variant has been reported in the published literature (PMID:29149851). It is absent or not present at a significant frequency in gnomAD. In silico models predict that this variant is not damaging. In conclusion, we classify GAA p.Thr197Asn (c.590C>A) as a variant of uncertain significance.

Labcorp Genetics (formerly Invitae), Labcorp
Classification: Uncertain significance for Glycogen storage disease, type II. Last evaluated: 2021-06-27. Review status: criteria provided, single submitter. Criteria: Invitae Variant Classification Sherloc (09022015). Collection method: clinical testing. Allele origin: germline.
Comment: In summary, the available evidence is currently insufficient to determine the role of this variant in disease. Therefore, it has been classified as a Variant of Uncertain Significance. Advanced modeling of protein sequence and biophysical properties (such as structural, functional, and spatial information, amino acid conservation, physicochemical variation, residue mobility, and thermodynamic stability) performed at Invitae indicates that this missense variant is not expected to disrupt GAA protein function. This variant has been observed in individual(s) with clinical features of GAA-related conditions (PMID: 29149851). This variant is present in population databases (rs761890037, ExAC 0.006%). This sequence change replaces threonine with asparagine at codon 197 of the GAA protein (p.Thr197Asn). The threonine residue is highly conserved and there is a small physicochemical difference between threonine and asparagine.

Literature cited by the submitters: PubMed 29149851 (cited by Genomenon, Inc and Labcorp Genetics (formerly Invitae), Labcorp).

NM_000152.5(GAA):c.590C>A (p.Thr197Asn)

Gene: GAA (alpha glucosidase; plus strand). Cytogenetic location: 17q25.3.
Variant type: single nucleotide variant.
Coding change: c.590C>A on transcript NM_000152.5 (MANE Select); coding-DNA position 590, C replaced by A.
Protein change: p.Thr197Asn; replaces threonine 197 with asparagine.
Molecular consequence: missense variant.
Genome position (GRCh38, 1-based): chr17:80,105,792, C>A. VCF-style: chr17-80105792-C-A. GRCh37 (hg19) VCF-style: chr17-78079591-C-A.
Other names: c.590C>A, p.Thr197Asn (NM_001079803.3, NM_001079804.3); short protein forms T197N.
Identifiers: ClinVar variation 1349685 (VCV001349685.9), dbSNP rs761890037, ClinGen allele CA8814936.
Genomic context (GRCh38, chr17:80,105,792, plus strand): 5'-ACCCCCATCTCTTCTAGATCAAAGATCCAGCTAACAGGCGCTACGAGGTGCCCTTGGAGA[C>A]CCCGCATGTCCACAGCCGGGCACCGTCCCCACTCTACAGCGTGGAGTTCTCCGAGGAGCC-3'
Protein context (NP_000143.2, residues 187-207): ANRRYEVPLE[Thr197Asn]PHVHSRAPSP